The following is an entry in ClinVar:

NM_016222.4(DDX41):c.138+9C>T

Gene: DDX41 (DEAD-box helicase 41; minus strand). Cytogenetic location: 5q35.3.
Variant type: single nucleotide variant.
Coding change: c.138+9C>T on transcript NM_016222.4 (MANE Select); 9 bases into the intron after coding-DNA position 138, C replaced by T.
Molecular consequence: intron variant. On other transcripts: 5 prime UTR variant (1).
Genome position (GRCh38, 1-based): chr5:177,516,716, G>A on the plus strand (C>T on the coding strand, the complement: DDX41 is on the minus strand). VCF-style: chr5-177516716-G-A. GRCh37 (hg19) VCF-style: chr5-176943717-G-A.
Other names: c.-509C>T (NM_001321732.2); c.-310+9C>T (NM_001321830.2).
Identifiers: ClinVar variation 3646219 (VCV003646219.2).

ClinVar aggregate classification (germline): Uncertain significance (1 of 4 stars; one submission).

gnomAD v4.1: 4 of 1,584,362 alleles (0.00025%); highest among the groups gnomAD compares: Non-Finnish European, 0.00034%; no homozygotes.

Submission:

Labcorp Genetics (formerly Invitae), Labcorp
Classification: Uncertain significance. Last evaluated: 2024-04-09. Review status: criteria provided, single submitter. Criteria: Invitae Variant Classification Sherloc (09022015). Collection method: clinical testing. Allele origin: germline.
Comment: This sequence change falls in intron 2 of the DDX41 gene. It does not directly change the encoded amino acid sequence of the DDX41 protein. This variant is present in population databases (no rsID available, gnomAD 0.001%). This variant has not been reported in the literature in individuals affected with DDX41-related conditions. Algorithms developed to predict the effect of sequence changes on RNA splicing suggest that this variant may create or strengthen a splice site. In summary, the available evidence is currently insufficient to determine the role of this variant in disease. Therefore, it has been classified as a Variant of Uncertain Significance.